The following is an entry in ClinVar:

ClinVar aggregate classification (germline): Uncertain significance (1 of 4 stars; one submission).

Allele frequency attached by ClinVar (database versions not stated): gnomAD 0.00001; TOPMed 0.00001.
gnomAD v4.1: 1 of 1,614,010 alleles (0.000062%); highest among the groups gnomAD compares: African/African-American, 0.0013%; no homozygotes.

Submission:

Labcorp Genetics (formerly Invitae), Labcorp
Classification: Uncertain significance. Last evaluated: 2022-10-05. Review status: criteria provided, single submitter. Criteria: Invitae Variant Classification Sherloc (09022015). Collection method: clinical testing. Allele origin: germline.
Comment: In summary, the available evidence is currently insufficient to determine the role of this variant in disease. Therefore, it has been classified as a Variant of Uncertain Significance. Advanced modeling of protein sequence and biophysical properties (such as structural, functional, and spatial information, amino acid conservation, physicochemical variation, residue mobility, and thermodynamic stability) performed at Invitae indicates that this missense variant is not expected to disrupt RLBP1 protein function. This variant has not been reported in the literature in individuals affected with RLBP1-related conditions. This variant is not present in population databases (gnomAD no frequency). This sequence change replaces tyrosine, which is neutral and polar, with asparagine, which is neutral and polar, at codon 124 of the RLBP1 protein (p.Tyr124Asn).

NM_000326.5(RLBP1):c.370T>A (p.Tyr124Asn)

Gene: RLBP1 (retinaldehyde binding protein 1; minus strand). Cytogenetic location: 15q26.1.
Variant type: single nucleotide variant.
Coding change: c.370T>A on transcript NM_000326.5 (MANE Select); coding-DNA position 370, T replaced by A.
Protein change: p.Tyr124Asn; replaces tyrosine 124 with asparagine.
Molecular consequence: missense variant.
Genome position (GRCh38, 1-based): chr15:89,215,215, A>T on the plus strand (T>A on the coding strand, the complement: RLBP1 is on the minus strand). VCF-style: chr15-89215215-A-T. GRCh37 (hg19) VCF-style: chr15-89758446-A-T.
Other names: short protein forms Y124N.
Identifiers: ClinVar variation 2090746 (VCV002090746.4), dbSNP rs775130558, ClinGen allele CA274534373.